The following is an entry in ClinVar:

ClinVar aggregate classification (germline): Pathogenic (1 of 4 stars; one submission).

Conditions:
Ataxia-telangiectasia syndrome (AT). Also called: Ataxia-telangiectasia, complementation group E; LOUIS-BAR SYNDROME; Ataxia-telangiectasia, complementation group D; AT, COMPLEMENTATION GROUP C; Ataxia-telangiectasia; Cerebello-oculocutaneous telangiectasia. Identifiers: Orphanet 100, MedGen C0004135, MONDO:0008840, OMIM 208900.

Submission:

Labcorp Genetics (formerly Invitae), Labcorp
Classification: Pathogenic for Ataxia-telangiectasia syndrome. Last evaluated: 2024-03-13. Review status: criteria provided, single submitter. Criteria: Invitae Variant Classification Sherloc (09022015). Collection method: clinical testing. Allele origin: germline.
Comment: This sequence change creates a premature translational stop signal (p.Gly696*) in the ATM gene. It is expected to result in an absent or disrupted protein product. Loss-of-function variants in ATM are known to be pathogenic (PMID: 23807571, 25614872). This variant is not present in population databases (gnomAD no frequency). This premature translational stop signal has been observed in individual(s) with ATM-related conditions (PMID: 34401606). ClinVar contains an entry for this variant (Variation ID: 1455240). For these reasons, this variant has been classified as Pathogenic.

Literature cited by the submitters: PubMed 23807571; PubMed 25614872; PubMed 34401606.

NM_000051.4(ATM):c.2086G>T (p.Gly696Ter)

Gene: ATM (ATM serine/threonine kinase; plus strand). Cytogenetic location: 11q22.3.
Variant type: single nucleotide variant.
Coding change: c.2086G>T on transcript NM_000051.4 (MANE Select); coding-DNA position 2086, G replaced by T.
Protein change: p.Gly696Ter; replaces glycine 696 with a stop codon.
Molecular consequence: nonsense.
Genome position (GRCh38, 1-based): chr11:108,254,001, G>T. VCF-style: chr11-108254001-G-T. GRCh37 (hg19) VCF-style: chr11-108124728-G-T.
Other names: c.2086G>T, p.Gly696Ter (NM_001351834.2); short protein forms G696*.
Identifiers: ClinVar variation 1455240 (VCV001455240.6), dbSNP rs879254178, ClinGen allele CA382537604.